The following is an entry in ClinVar:

NM_006885.4(ZFHX3):c.4397G>A (p.Gly1466Asp)

Genes: ZFHX3-AS1 (ZFHX3 antisense RNA 1; plus strand), ZFHX3 (zinc finger homeobox 3; minus strand). Cytogenetic location: 16q22.2.
Variant type: single nucleotide variant.
Coding change: c.4397G>A on transcript NM_006885.4 (MANE Select); coding-DNA position 4397, G replaced by A.
Protein change: p.Gly1466Asp; replaces glycine 1466 with aspartic acid.
Molecular consequence: missense variant.
Genome position (GRCh38, 1-based): chr16:72,798,285, C>T on the plus strand (G>A on the coding strand, the complement: ZFHX3 is on the minus strand). VCF-style: chr16-72798285-C-T. GRCh37 (hg19) VCF-style: chr16-72832184-C-T.
Other names: c.1655G>A, p.Gly552Asp (NM_001164766.2); c.4397G>A, p.Gly1466Asp (NM_001386735.1); short protein forms G1466D, G552D.
Identifiers: ClinVar variation 5032120 (VCV005032120.1).

ClinVar aggregate classification (germline): Uncertain significance (1 of 4 stars; one submission).

Submission:

Ambry Genetics
Classification: Uncertain significance. Last evaluated: 2026-07-08. Review status: criteria provided, single submitter. Criteria: Ambry Variant Classification Scheme 2023. Collection method: clinical testing. Allele origin: germline.
Comment: The c.4397G>A (p.G1466D) alteration is located in exon 9 (coding exon 8) of the ZFHX3 gene. This alteration results from a G to A substitution at nucleotide position 4397, causing the glycine (G) at amino acid position 1466 to be replaced by an aspartic acid (D). Based on data from gnomAD, the A allele has an overall frequency of <0.001% (1/251302) total alleles studied. The highest observed frequency was 0.006% (1/16256) of African alleles. Based on insufficient or conflicting evidence, the clinical significance of this alteration remains unclear.